The following is an entry in ClinVar:

ClinVar aggregate classification (germline): Likely benign (0 of 4 stars; one submission).

Conditions:
COX10-related disorder. Also called: COX10-related condition.

Submission:

PreventionGenetics, part of Exact Sciences
Classification: Likely benign for COX10-related condition. Last evaluated: 2019-02-28. Review status: no assertion criteria provided. Collection method: clinical testing. Allele origin: germline.
Comment: This variant is classified as likely benign based on ACMG/AMP sequence variant interpretation guidelines (Richards et al. 2015 PMID: 25741868, with internal and published modifications).

NM_001303.4(COX10):c.570G>T (p.Leu190=)

Gene: COX10 (cytochrome c oxidase assembly factor heme A:farnesyltransferase COX10; plus strand). Cytogenetic location: 17p12.
Variant type: single nucleotide variant.
Coding change: c.570G>T on transcript NM_001303.4 (MANE Select); coding-DNA position 570, G replaced by T.
Protein change: p.Leu190=; no amino-acid change (leucine 190 retained).
Molecular consequence: synonymous variant.
Genome position (GRCh38, 1-based): chr17:14,102,188, G>T. VCF-style: chr17-14102188-G-T. GRCh37 (hg19) VCF-style: chr17-14005505-G-T.
Identifiers: ClinVar variation 3352756 (VCV003352756.1).